The following is an entry in ClinVar:

ClinVar aggregate classification (germline): Uncertain significance (1 of 4 stars; one submission).

Submission:

GeneDx
Classification: Uncertain significance. Last evaluated: 2025-06-11. Review status: criteria provided, single submitter. Criteria: GeneDx Variant Classification Process June 2021. Collection method: clinical testing. Allele origin: germline. Affected: yes.
Comment: In-frame deletion of 1 amino acid in a non-repeat region; Not observed at significant frequency in large population cohorts (gnomAD); In silico analysis supports a deleterious effect on protein structure/function; Has not been previously published as pathogenic or benign to our knowledge

NM_001148.6(ANK2):c.2453AGG[1] (p.Glu819del)

Gene: ANK2 (ankyrin 2; plus strand). Cytogenetic location: 4q26.
Variant type: Microsatellite.
Coding change: c.2453AGG[1] on transcript NM_001148.6 (MANE Select); one copy of the 3-base unit AGG starting at c.2453; the reference has two copies in a row; one copy, 3 bases deleted; also written c.2456_2458del.
Protein change: p.Glu819del; deletes glutamic acid 819.
Molecular consequence: inframe indel (on NM_001148.4).
Genome position (GRCh38, 1-based): chr4:113,293,519-113,293,521, AGG deleted; deleting any 3 consecutive bases within chr4:113,293,515-113,293,521 gives the same sequence; the position shown is the placement nearest the transcript's 3' end. VCF-style (leftmost placement, unchanged base first): chr4-113293514-TGAG-T. GRCh37 (hg19) VCF-style: chr4-114214670-TGAG-T.
Other names: c.2504AGG[1], p.Glu836del (NM_001386174.1); c.2480AGG[1], p.Glu828del (NM_001386175.1); c.2441AGG[1], p.Glu815del (NM_001386186.2, NM_001386148.2); c.2417AGG[1], p.Glu807del (NM_001386187.2); c.2453AGG[1], p.Glu819del (NM_020977.5, NM_001354225.2, NM_001354228.2 and 6 more transcripts); c.2390AGG[1], p.Glu798del (NM_001127493.3, NM_001354243.2, NM_001354244.2 and 10 more transcripts); c.2453_2455AGG[1], p.Glu819del (NM_001148.4); c.2354AGG[1], p.Glu786del (NM_001354245.2, NM_001354268.2); and 11 more; short protein forms E28del, E691del, E724del, E749del, E753del, E757del, E765del, E786del.
Identifiers: ClinVar variation 4538125 (VCV004538125.1).